The following is an entry in ClinVar:

NM_014639.4(SKIC3):c.1613G>C (p.Ser538Thr)

Gene: SKIC3 (SKI3 subunit of superkiller complex; minus strand). Cytogenetic location: 5q15.
Variant type: single nucleotide variant.
Coding change: c.1613G>C on transcript NM_014639.4 (MANE Select); coding-DNA position 1613, G replaced by C.
Protein change: p.Ser538Thr; replaces serine 538 with threonine.
Molecular consequence: missense variant.
Genome position (GRCh38, 1-based): chr5:95,523,674, C>G on the plus strand (G>C on the coding strand, the complement: SKIC3 is on the minus strand). VCF-style: chr5-95523674-C-G. GRCh37 (hg19) VCF-style: chr5-94859378-C-G.
Other names: short protein forms S538T.
Identifiers: ClinVar variation 2501742 (VCV002501742.1), dbSNP rs1311294972, ClinGen allele CA360463876.

ClinVar aggregate classification (germline): Uncertain significance (1 of 4 stars; one submission).

Allele frequency attached by ClinVar (database versions not stated): gnomAD 0.00001; TOPMed 0.00001.
gnomAD v4.1: 5 of 1,613,420 alleles (0.00031%); highest among the groups gnomAD compares: East Asian, 0.0022%; no homozygotes.

Submission:

Center for Genomics, Ann and Robert H. Lurie Children's Hospital of Chicago
Classification: Uncertain significance. Last evaluated: 2021-03-30. Review status: criteria provided, single submitter. Criteria: ACMG Guidelines, 2015. Collection method: clinical testing. Allele origin: germline.
Comment: TTC NM_014639.3 exon 17 p.Ser538Thr (c.1613G>C): This variant has not been reported in the literature and is not present in large control databases. Evolutionary conservation and computational predictive tools suggest that this variant may impact the protein. In summary, data on this variant is insufficient for disease classification. Therefore, the clinical significance of this variant is uncertain.